The following is an entry in ClinVar:

NM_007198.4(PLPBP):c.207+1G>T

Gene: PLPBP (pyridoxal phosphate binding protein; plus strand). Cytogenetic location: 8p11.23.
Variant type: single nucleotide variant.
Coding change: c.207+1G>T on transcript NM_007198.4 (MANE Select); the canonical splice donor site of the intron after coding-DNA position 207, G replaced by T.
Molecular consequence: splice donor variant.
Genome position (GRCh38, 1-based): chr8:37,765,634, G>T. VCF-style: chr8-37765634-G-T. GRCh37 (hg19) VCF-style: chr8-37623152-G-T.
Other names: c.312+1G>T (NM_001349349.1); c.207+1G>T (NM_001349346.2, NM_001349347.2); c.51+1G>T (NM_001349348.2).
Identifiers: ClinVar variation 1805767 (VCV001805767.7), dbSNP rs767795673, ClinGen allele CA370666793.

ClinVar aggregate classification (germline): Pathogenic/Likely pathogenic. Review status: criteria provided, multiple submitters, no conflicts (2 of 4 stars). 3 submissions from 3 submitters: Pathogenic (2); Likely pathogenic (1). Last evaluated 2026-06-25.

Conditions:
Epilepsy, early-onset, vitamin B6-dependent. Also called: PLPBP Deficiency; EPILEPSY, EARLY-ONSET, 1, VITAMIN B6-DEPENDENT. Identifiers: MedGen C4310632, MONDO:0015005, OMIM 617290.

gnomAD v4.1: 6 of 1,614,078 alleles (0.00037%); highest among the groups gnomAD compares: African/African-American, 0.0027%; no homozygotes.

Submissions (3):

GeneDx
Classification: Likely pathogenic. Last evaluated: 2026-06-25. Review status: criteria provided, single submitter. Criteria: GeneDx Variant Classification Process June 2021. Collection method: clinical testing. Allele origin: germline.
Comment: Observed in a patient with focal seizures and epileptic spasms who also possessed a second PLPBP variant in published literature (PMID: 31737911); Canonical splice site variant predicted to result in an in-frame loss of the adjacent exon in a gene for which loss of function is a known mechanism of disease; Not observed at significant frequency in large population cohorts (gnomAD); This variant is associated with the following publications: (PMID: 33728241, 31737911)

Labcorp Genetics (formerly Invitae), Labcorp
Classification: Pathogenic. Last evaluated: 2024-11-04. Review status: criteria provided, single submitter. Criteria: Invitae Variant Classification Sherloc (09022015). Collection method: clinical testing. Allele origin: germline.
Comment: This sequence change affects a donor splice site in intron 2 of the PROSC gene. It is expected to disrupt RNA splicing. Variants that disrupt the donor or acceptor splice site typically lead to a loss of protein function (PMID: 16199547), and loss-of-function variants in PROSC are known to be pathogenic (PMID: 27912044). This variant is not present in population databases (gnomAD no frequency). Disruption of this splice site has been observed in individual(s) with pyridoxine-dependent epilepsy (PMID: 27912044, 31737911, 31741821). In at least one individual the data is consistent with being in trans (on the opposite chromosome) from a pathogenic variant. ClinVar contains an entry for this variant (Variation ID: 1805767). Algorithms developed to predict the effect of sequence changes on RNA splicing suggest that this variant may disrupt the consensus splice site. For these reasons, this variant has been classified as Pathogenic.

Victorian Clinical Genetics Services, Murdoch Childrens Research Institute
Classification: Pathogenic for Epilepsy, early-onset, vitamin B6-dependent. Last evaluated: 2023-07-17. Review status: criteria provided, single submitter. Criteria: ACMG Guidelines, 2015. Collection method: clinical testing. Allele origin: germline. Inheritance: Autosomal recessive inheritance. Affected: yes.
Comment: Based on the classification scheme VCGS_Germline_v1.3.4, this variant is classified as Pathogenic. Following criteria are met: 0102 - Loss of function is a known mechanism of disease in this gene and is associated with epilepsy, early-onset, vitamin B6-dependent (MIM#617290). (I) 0106 - This gene is associated with autosomal recessive disease. (I) 0211 - Canonical splice site variant without proven consequence on splicing (no functional evidence available). (SP) 0251 - This variant is heterozygous. (I) 0304 - Variant is present in gnomAD (v3) <0.01 for a recessive condition (1 heterozygote, 0 homozygotes). (SP) 0311 - An alternative nucleotide change at the same canonical splice site, is present in gnomAD (v3) (36 heterozygotes, 0 homozygots). (I) 0505 - Abnormal splicing is predicted by in silico tools and affected nucleotide is highly conserved. (SP) 0703 - Other canonical splice variants comparable to the one identified in this case have moderate previous evidence for pathogenicity. c.207+1G>A and c.207+1G>C have been classified as pathogenic by a clinical laboratory in ClinVar, and the former has been observed in several patients with vitamin-B6-dependent epilepsy (PMIDs: 27912044, 31741821). (SP) 0803 - This variant has limited previous evidence of pathogenicity in an unrelated individual. This variant has been observed as compound heterozygous in one individual with pyridoxine-dependent epilepsy (PMID: 31737911). (SP) 0905 - No published segregation evidence has been identified for this variant. (I) 1007 - No published functional evidence has been identified for this variant. (I) Legend: (SP) - Supporting pathogenic, (I) - Information, (SB) - Supporting benign

Literature cited by the submitters: PubMed 16199547 (cited by Labcorp Genetics (formerly Invitae), Labcorp); PubMed 27912044 (cited by Labcorp Genetics (formerly Invitae), Labcorp and Victorian Clinical Genetics Services, Murdoch Childrens Research Institute); PubMed 31737911 (cited by Labcorp Genetics (formerly Invitae), Labcorp and Victorian Clinical Genetics Services, Murdoch Childrens Research Institute); PubMed 31741821 (cited by Labcorp Genetics (formerly Invitae), Labcorp and Victorian Clinical Genetics Services, Murdoch Childrens Research Institute).